The following is an entry in ClinVar:

ClinVar aggregate classification (germline): Uncertain significance. Review status: criteria provided, multiple submitters, no conflicts (2 of 4 stars). 2 submissions from 2 submitters: Uncertain significance (2). Last evaluated 2025-10-03.

gnomAD v4.1: 4 of 1,207,547 alleles (0.00033%); highest among the groups gnomAD compares: Non-Finnish European, 0.00045%; no homozygotes.

Submissions (2):

Labcorp Genetics (formerly Invitae), Labcorp
Classification: Uncertain significance. Last evaluated: 2025-10-03. Review status: criteria provided, single submitter. Criteria: Invitae Variant Classification Sherloc (09022015). Collection method: clinical testing. Allele origin: germline.
Comment: This sequence change replaces arginine, which is basic and polar, with tryptophan, which is neutral and slightly polar, at codon 709 of the CLCN5 protein (p.Arg709Trp). This variant is not present in population databases (gnomAD no frequency). This variant has not been reported in the literature in individuals affected with CLCN5-related conditions. ClinVar contains an entry for this variant (Variation ID: 3380746). Invitae Evidence Modeling of protein sequence and biophysical properties (such as structural, functional, and spatial information, amino acid conservation, physicochemical variation, residue mobility, and thermodynamic stability) indicates that this missense variant is expected to disrupt CLCN5 protein function with a positive predictive value of 80%. In summary, the available evidence is currently insufficient to determine the role of this variant in disease. Therefore, it has been classified as a Variant of Uncertain Significance.

Mayo Clinic Laboratories, Mayo Clinic
Classification: Uncertain significance. Last evaluated: 2024-01-15. Review status: criteria provided, single submitter. Criteria: ACMG Guidelines, 2015. Collection method: clinical testing. Allele origin: germline. Observed: 1 variant allele.
Comment: PP3, PM2

NM_001127898.4(CLCN5):c.2335C>T (p.Arg779Trp)

Genes: CLCN5 (chloride voltage-gated channel 5; plus strand), LOC126863258 (BRD4-independent group 4 enhancer GRCh37_chrX:49854497-49855696; plus strand). Cytogenetic location: Xp11.23.
Variant type: single nucleotide variant.
Coding change: c.2335C>T on transcript NM_001127898.4 (MANE Select); coding-DNA position 2335, C replaced by T.
Protein change: p.Arg779Trp; replaces arginine 779 with tryptophan.
Molecular consequence: missense variant.
Genome position (GRCh38, 1-based): chrX:50,090,861, C>T. VCF-style: chrX-50090861-C-T. GRCh37 (hg19) VCF-style: chrX-49855518-C-T.
Other names: p.Arg709Trp; c.2125C>T, p.Arg709Trp (NM_000084.5); c.2335C>T, p.Arg779Trp (NM_001127899.4); c.2185C>T, p.Arg729Trp (NM_001282163.2); short protein forms R709W, R729W, R779W.
Identifiers: ClinVar variation 3380746 (VCV003380746.2).